The following is an entry in ClinVar:

ClinVar aggregate classification (germline): Uncertain significance (1 of 4 stars; one submission).

Conditions:
Familial thoracic aortic aneurysm and aortic dissection (TAAD). Also called: Thoracic aortic aneurysms and dissections. Identifiers: Orphanet 91387, MedGen C4707243, MONDO:0019625.

Submission:

Labcorp Genetics (formerly Invitae), Labcorp
Classification: Uncertain significance for Familial thoracic aortic aneurysm and aortic dissection. Last evaluated: 2024-04-25. Review status: criteria provided, single submitter. Criteria: Invitae Variant Classification Sherloc (09022015). Collection method: clinical testing. Allele origin: germline.
Comment: This sequence change replaces glutamine, which is neutral and polar, with arginine, which is basic and polar, at codon 208 of the TGFBR1 protein (p.Gln208Arg). This variant is not present in population databases (gnomAD no frequency). This variant has not been reported in the literature in individuals affected with TGFBR1-related conditions. Advanced modeling of protein sequence and biophysical properties (such as structural, functional, and spatial information, amino acid conservation, physicochemical variation, residue mobility, and thermodynamic stability) performed at Invitae indicates that this missense variant is not expected to disrupt TGFBR1 protein function with a negative predictive value of 80%. In summary, the available evidence is currently insufficient to determine the role of this variant in disease. Therefore, it has been classified as a Variant of Uncertain Significance.

NM_004612.4(TGFBR1):c.623A>G (p.Gln208Arg)

Gene: TGFBR1 (transforming growth factor beta receptor 1; plus strand). Cytogenetic location: 9q22.33.
Variant type: single nucleotide variant.
Coding change: c.623A>G on transcript NM_004612.4 (MANE Select); coding-DNA position 623, A replaced by G.
Protein change: p.Gln208Arg; replaces glutamine 208 with arginine.
Molecular consequence: missense variant. On other transcripts: non-coding transcript variant (4), intron variant (2).
Genome position (GRCh38, 1-based): chr9:99,137,907, A>G. VCF-style: chr9-99137907-A-G. GRCh37 (hg19) VCF-style: chr9-101900189-A-G.
Other names: c.392A>G, p.Gln131Arg (NM_001130916.3); c.635A>G, p.Gln212Arg (NM_001306210.2, NM_001407416.1); c.623A>G, p.Gln208Arg (NM_001407417.1); c.428A>G, p.Gln143Arg (NM_001407418.1, NM_001407419.1, NM_001407420.1 and 1 more transcripts); c.416A>G, p.Gln139Arg (NM_001407423.1, NM_001407424.1, NM_001407425.1 and 8 more transcripts); c.377A>G, p.Gln126Arg (NM_001407436.1); c.146A>G, p.Gln49Arg (NM_001407438.1); c.575-4629A>G (NM_001407435.1); and 1 more; short protein forms Q49R, Q139R, Q143R, Q208R, Q126R, Q131R, Q212R.
Identifiers: ClinVar variation 3700738 (VCV003700738.2).